The following is an entry in ClinVar:

NM_182972.3(IRF2BP2):c.29C>G (p.Ala10Gly)

Gene: IRF2BP2 (interferon regulatory factor 2 binding protein 2; minus strand). Cytogenetic location: 1q42.3.
Variant type: single nucleotide variant.
Coding change: c.29C>G on transcript NM_182972.3 (MANE Select); coding-DNA position 29, C replaced by G.
Protein change: p.Ala10Gly; replaces alanine 10 with glycine.
Molecular consequence: missense variant.
Genome position (GRCh38, 1-based): chr1:234,609,466, G>C on the plus strand (C>G on the coding strand, the complement: IRF2BP2 is on the minus strand). VCF-style: chr1-234609466-G-C. GRCh37 (hg19) VCF-style: chr1-234745212-G-C.
Other names: c.29C>G, p.Ala10Gly (NM_001077397.1); short protein forms A10G.
Identifiers: ClinVar variation 4808638 (VCV004808638.1).

ClinVar aggregate classification (germline): Uncertain significance (1 of 4 stars; one submission).

Submission:

Labcorp Genetics (formerly Invitae), Labcorp
Classification: Uncertain significance. Last evaluated: 2025-12-22. Review status: criteria provided, single submitter. Criteria: Invitae Variant Classification Sherloc (09022015). Collection method: clinical testing. Allele origin: germline.
Comment: This sequence change replaces alanine, which is neutral and non-polar, with glycine, which is neutral and non-polar, at codon 10 of the IRF2BP2 protein (p.Ala10Gly). This variant is not present in population databases (gnomAD no frequency). This variant has not been reported in the literature in individuals affected with IRF2BP2-related conditions. Experimental studies and prediction algorithms are not available or were not evaluated, and the functional significance of this variant is currently unknown. In summary, the available evidence is currently insufficient to determine the role of this variant in disease. Therefore, it has been classified as a Variant of Uncertain Significance.